The following is an entry in ClinVar:

NM_173477.5(USH1G):c.20G>C (p.Arg7Pro)

Gene: USH1G (USH1 protein network component sans; minus strand). Cytogenetic location: 17q25.1.
Variant type: single nucleotide variant.
Coding change: c.20G>C on transcript NM_173477.5 (MANE Select); coding-DNA position 20, G replaced by C.
Protein change: p.Arg7Pro; replaces arginine 7 with proline.
Molecular consequence: missense variant. On other transcripts: 5 prime UTR variant (1).
Genome position (GRCh38, 1-based): chr17:74,923,054, C>G on the plus strand (G>C on the coding strand, the complement: USH1G is on the minus strand). VCF-style: chr17-74923054-C-G. GRCh37 (hg19) VCF-style: chr17-72919149-C-G.
Other names: c.-237G>C (NM_001282489.3); short protein forms R7P.
Identifiers: ClinVar variation 1465201 (VCV001465201.6), dbSNP rs1369719883, ClinGen allele CA400968630.

ClinVar aggregate classification (germline): Uncertain significance (1 of 4 stars; one submission).

gnomAD v4.1: 1 of 1,587,296 alleles (0.000063%); highest among the groups gnomAD compares: Non-Finnish European, 0.000086%; no homozygotes.

Submission:

Labcorp Genetics (formerly Invitae), Labcorp
Classification: Uncertain significance. Last evaluated: 2024-02-24. Review status: criteria provided, single submitter. Criteria: Invitae Variant Classification Sherloc (09022015). Collection method: clinical testing. Allele origin: germline.
Comment: This sequence change replaces arginine, which is basic and polar, with proline, which is neutral and non-polar, at codon 7 of the USH1G protein (p.Arg7Pro). This variant is not present in population databases (gnomAD no frequency). This variant has not been reported in the literature in individuals affected with USH1G-related conditions. ClinVar contains an entry for this variant (Variation ID: 1465201). Advanced modeling of protein sequence and biophysical properties (such as structural, functional, and spatial information, amino acid conservation, physicochemical variation, residue mobility, and thermodynamic stability) has been performed at Invitae for this missense variant, however the output from this modeling did not meet the statistical confidence thresholds required to predict the impact of this variant on USH1G protein function. In summary, the available evidence is currently insufficient to determine the role of this variant in disease. Therefore, it has been classified as a Variant of Uncertain Significance.